The following is an entry in ClinVar:

NM_000404.4(GLB1):c.958G>A (p.Ala320Thr)

Gene: GLB1 (galactosidase beta 1; minus strand). Cytogenetic location: 3p22.3.
Variant type: single nucleotide variant.
Coding change: c.958G>A on transcript NM_000404.4 (MANE Select); coding-DNA position 958, G replaced by A.
Protein change: p.Ala320Thr; replaces alanine 320 with threonine.
Molecular consequence: missense variant.
Genome position (GRCh38, 1-based): chr3:33,046,230, C>T on the plus strand (G>A on the coding strand, the complement: GLB1 is on the minus strand). VCF-style: chr3-33046230-C-T. GRCh37 (hg19) VCF-style: chr3-33087722-C-T.
Other names: c.868G>A, p.Ala290Thr (NM_001079811.3); c.565G>A, p.Ala189Thr (NM_001135602.3); c.1102G>A, p.Ala368Thr (NM_001317040.2); c.958G>A, p.Ala320Thr (NM_001393580.1); short protein forms A189T, A368T, A290T, A320T.
Identifiers: ClinVar variation 916259 (VCV000916259.40), dbSNP rs1698735097, ClinGen allele CA351999506.

ClinVar aggregate classification (germline): Likely pathogenic (1 of 4 stars; one submission).

Submission:

CeGaT Center for Human Genetics Tuebingen
Classification: Likely pathogenic. Last evaluated: 2023-07-01. Review status: criteria provided, single submitter. Criteria: CeGaT Center For Human Genetics Tuebingen Variant Classification Criteria Version 2. Collection method: clinical testing. Allele origin: germline. Affected: yes. Observed: 4 variant alleles.
Comment: GLB1: PM3:Strong, PM2, PP4:Moderate